The following is an entry in ClinVar:

NM_144666.3(DNHD1):c.4771C>T (p.His1591Tyr)

Gene: DNHD1 (dynein heavy chain domain 1; plus strand). Cytogenetic location: 11p15.4.
Variant type: single nucleotide variant.
Coding change: c.4771C>T on transcript NM_144666.3 (MANE Select); coding-DNA position 4771, C replaced by T.
Protein change: p.His1591Tyr; replaces histidine 1591 with tyrosine.
Molecular consequence: missense variant.
Genome position (GRCh38, 1-based): chr11:6,545,710, C>T. VCF-style: chr11-6545710-C-T. GRCh37 (hg19) VCF-style: chr11-6566940-C-T.
Other names: short protein forms H1591Y.
Identifiers: ClinVar variation 3504121 (VCV003504121.11).

ClinVar aggregate classification (germline): Uncertain significance. Review status: criteria provided, multiple submitters, no conflicts (2 of 4 stars). 2 submissions from 2 submitters: Uncertain significance (2). Last evaluated 2026-04-01.

gnomAD v4.1: 94 of 1,551,594 alleles (0.0061%); highest among the groups gnomAD compares: Middle Eastern, 0.033%; no homozygotes.

Submissions (2):

CeGaT Center for Human Genetics Tuebingen
Classification: Uncertain significance. Last evaluated: 2026-04-01. Review status: criteria provided, single submitter. Criteria: CeGaT Center For Human Genetics Tuebingen Variant Classification Criteria Version 2. Collection method: clinical testing. Allele origin: germline. Affected: yes. Observed: 2 variant alleles.
Comment: DNHD1: PM2, PP2, BP4

Ambry Genetics
Classification: Uncertain significance. Last evaluated: 2024-11-19. Review status: criteria provided, single submitter. Criteria: Ambry Variant Classification Scheme 2023. Collection method: clinical testing. Allele origin: germline.